The following is an entry in ClinVar:

NM_004974.4(KCNA2):c.235G>T (p.Asp79Tyr)

Gene: KCNA2 (potassium voltage-gated channel subfamily A member 2; minus strand). Cytogenetic location: 1p13.3.
Variant type: single nucleotide variant.
Coding change: c.235G>T on transcript NM_004974.4 (MANE Select); coding-DNA position 235, G replaced by T.
Protein change: p.Asp79Tyr; replaces aspartic acid 79 with tyrosine.
Molecular consequence: missense variant.
Genome position (GRCh38, 1-based): chr1:110,604,548, C>A on the plus strand (G>T on the coding strand, the complement: KCNA2 is on the minus strand). VCF-style: chr1-110604548-C-A. GRCh37 (hg19) VCF-style: chr1-111147170-C-A.
Other names: c.235G>T, p.Asp79Tyr (NM_001204269.2); short protein forms D79Y.
Identifiers: ClinVar variation 1036616 (VCV001036616.14), dbSNP rs747844549, ClinGen allele CA341606284.

ClinVar aggregate classification (germline): Uncertain significance. Review status: criteria provided, multiple submitters, no conflicts (2 of 4 stars). 2 submissions from 2 submitters: Uncertain significance (2). Last evaluated 2023-03-21.

Conditions:
Developmental and epileptic encephalopathy, 32 (DEE32). Also called: Epileptic encephalopathy, early infantile, 32. Identifiers: Orphanet 442835, MedGen C4225350, MONDO:0014607, OMIM 616366.

Submissions (2):

GeneDx
Classification: Uncertain significance. Last evaluated: 2023-03-21. Review status: criteria provided, single submitter. Criteria: GeneDx Variant Classification Process June 2021. Collection method: clinical testing. Allele origin: germline. Affected: yes.
Comment: Not observed at significant frequency in large population cohorts (gnomAD); In silico analysis supports that this missense variant has a deleterious effect on protein structure/function; Has not been previously published as pathogenic or benign to our knowledge

Labcorp Genetics (formerly Invitae), Labcorp
Classification: Uncertain significance for Developmental and epileptic encephalopathy, 32. Last evaluated: 2020-03-10. Review status: criteria provided, single submitter. Criteria: Invitae Variant Classification Sherloc (09022015). Collection method: clinical testing. Allele origin: germline.
Comment: This sequence change replaces aspartic acid with tyrosine at codon 79 of the KCNA2 protein (p.Asp79Tyr). The aspartic acid residue is highly conserved and there is a large physicochemical difference between aspartic acid and tyrosine. This variant is not present in population databases (ExAC no frequency). This variant has not been reported in the literature in individuals with KCNA2-related conditions. Algorithms developed to predict the effect of missense changes on protein structure and function (SIFT, PolyPhen-2, Align-GVGD) all suggest that this variant is likely to be disruptive, but these predictions have not been confirmed by published functional studies and their clinical significance is uncertain. In summary, the available evidence is currently insufficient to determine the role of this variant in disease. Therefore, it has been classified as a Variant of Uncertain Significance.